The following is an entry in ClinVar:

NM_032119.4(ADGRV1):c.7945+9T>C

Gene: ADGRV1 (adhesion G protein-coupled receptor V1; plus strand). Cytogenetic location: 5q14.3.
Variant type: single nucleotide variant.
Coding change: c.7945+9T>C on transcript NM_032119.4 (MANE Select); 9 bases into the intron after coding-DNA position 7945, T replaced by C.
Molecular consequence: intron variant.
Genome position (GRCh38, 1-based): chr5:90,694,710, T>C. VCF-style: chr5-90694710-T-C. GRCh37 (hg19) VCF-style: chr5-89990527-T-C.
Other names: c.7945+9T>C (NM_032119.3).
Identifiers: ClinVar variation 1341661 (VCV001341661.11), dbSNP rs181383993, ClinGen allele CA3340117.

ClinVar aggregate classification (germline): Likely benign. Review status: criteria provided, multiple submitters, no conflicts (2 of 4 stars). 4 submissions from 4 submitters: Likely benign (4). Last evaluated 2026-02-02.

Conditions:
ADGRV1-related disorder. Also called: ADGRV1-related condition; ADGRV1-related disorders.

Allele frequency attached by ClinVar (database versions not stated): gnomAD 0.00001 and 0.00003; TOPMed 0.00001; gnomAD exomes 0.00002 and 0.00010; ExAC 0.00006; 1000 Genomes Project 0.00060; 1000 Genomes Project 30x 0.00062.
gnomAD v4.1: 29 of 1,540,380 alleles (0.0019%); highest among the groups gnomAD compares: East Asian, 0.063%; no homozygotes.

Submissions (4):

Labcorp Genetics (formerly Invitae), Labcorp
Classification: Likely benign. Last evaluated: 2026-02-02. Review status: criteria provided, single submitter. Criteria: Invitae Variant Classification Sherloc (09022015). Collection method: clinical testing. Allele origin: germline.

PreventionGenetics, part of Exact Sciences
Classification: Likely benign for ADGRV1-related condition. Last evaluated: 2025-02-12. Review status: criteria provided, single submitter. Criteria: ACMG Guidelines, 2015. Collection method: clinical testing. Allele origin: germline.
Comment: This variant is classified as likely benign based on ACMG/AMP sequence variant interpretation guidelines (Richards et al. 2015 PMID: 25741868, with internal and published modifications).

Blueprint Genetics
Classification: Likely benign. Last evaluated: 2024-10-07. Review status: criteria provided, single submitter. Criteria: ACMG Guidelines, 2015. Collection method: clinical testing. Allele origin: germline.

GeneDx
Classification: Likely benign. Last evaluated: 2021-06-05. Review status: criteria provided, single submitter. Criteria: GeneDx Variant Classification Process June 2021. Collection method: clinical testing. Allele origin: germline. Affected: yes.